The following is an entry in ClinVar:

NM_006767.4(LZTR1):c.1591_1593del (p.Asp531del)

Gene: LZTR1 (leucine zipper like post translational regulator 1; plus strand). Cytogenetic location: 22q11.21.
Variant type: Deletion.
Coding change: c.1591_1593del on transcript NM_006767.4 (MANE Select); coding-DNA positions 1591 to 1593, 3 bases deleted (GAC; older notation c.1591_1593delGAC).
Protein change: p.Asp531del; deletes aspartic acid 531.
Molecular consequence: inframe deletion.
Genome position (GRCh38, 1-based): chr22:20,994,245-20,994,247, GAC deleted; deleting any 3 consecutive bases within chr22:20,994,244-20,994,247 gives the same sequence; the c. name uses the placement nearest the transcript's 3' end. VCF-style (leftmost placement, unchanged base first): chr22-20994243-CCGA-C. GRCh37 (hg19) VCF-style: chr22-21348532-CCGA-C.
Other names: short protein forms D531del.
Identifiers: ClinVar variation 4735669 (VCV004735669.1).

ClinVar aggregate classification (germline): Uncertain significance (1 of 4 stars; one submission).

Submission:

Labcorp Genetics (formerly Invitae), Labcorp
Classification: Uncertain significance. Last evaluated: 2026-01-18. Review status: criteria provided, single submitter. Criteria: Invitae Variant Classification Sherloc (09022015). Collection method: clinical testing. Allele origin: germline.
Comment: This variant, c.1591_1593del, results in the deletion of 1 amino acid(s) of the LZTR1 protein (p.Asp531del), but otherwise preserves the integrity of the reading frame. This variant is not present in population databases (gnomAD no frequency). This variant has not been reported in the literature in individuals affected with LZTR1-related conditions. This variant disrupts a region of the LZTR1 protein in which other variant(s) (p.Asp531Asn) have been observed in individuals with LZTR1-related conditions (PMID: 30859559). This suggests that this is a clinically significant region of the protein, and that variants that disrupt it are likely to be disease-causing. In summary, the available evidence is currently insufficient to determine the role of this variant in disease. Therefore, it has been classified as a Variant of Uncertain Significance.

Literature cited by the submitters: PubMed 30859559.